The following is an entry in ClinVar:

NM_002838.5(PTPRC):c.995C>T (p.Thr332Ile)

Gene: PTPRC (protein tyrosine phosphatase receptor type C; plus strand). Cytogenetic location: 1q32.1.
Variant type: single nucleotide variant.
Coding change: c.995C>T on transcript NM_002838.5 (MANE Select); coding-DNA position 995, C replaced by T.
Protein change: p.Thr332Ile; replaces threonine 332 with isoleucine.
Molecular consequence: missense variant.
Genome position (GRCh38, 1-based): chr1:198,708,223, C>T. VCF-style: chr1-198708223-C-T. GRCh37 (hg19) VCF-style: chr1-198677352-C-T.
Other names: c.512C>T, p.Thr171Ile (NM_080921.4); short protein forms T332I, T171I.
Identifiers: ClinVar variation 568106 (VCV000568106.10), dbSNP rs148025707, ClinGen allele CA1314660.

ClinVar aggregate classification (germline): Conflicting classifications of pathogenicity. Review status: criteria provided, conflicting classifications (1 of 4 stars). 2 submissions from 2 submitters: Uncertain significance (1); Likely benign (1). Last evaluated 2024-10-17.

Conditions:
Immunodeficiency 104. Also called: Severe combined immunodeficiency, autosomal recessive, T cell-negative, B cell-positive, NK cell-positive; Severe Combined Immune Deficiency, Autosomal Recessive, TCell -Negative, B Cell-Positive, NK Cell-Positive, IL7R-Related; SCID, AUTOSOMAL RECESSIVE, T CELL-NEGATIVE, B CELL-POSITIVE, NK CELL-POSITIVE; IMMUNODEFICIENCY 104, SEVERE COMBINED. Identifiers: MedGen C5676890, MONDO:0012163, OMIM 608971.

Allele frequency attached by ClinVar (database versions not stated): TOPMed 0.00035; ExAC 0.00036; gnomAD 0.00039 and 0.00041; gnomAD exomes 0.00042 and 0.00066; ESP Exome Variant Server 0.00077.
gnomAD v4.1: 1,006 of 1,606,464 alleles (0.063%); highest among the groups gnomAD compares: Non-Finnish European, 0.082%; no homozygotes.

Submissions (2):

Blueprint Genetics
Classification: Likely benign. Last evaluated: 2024-10-17. Review status: criteria provided, single submitter. Criteria: ACMG Guidelines, 2015. Collection method: clinical testing. Allele origin: germline.

Labcorp Genetics (formerly Invitae), Labcorp
Classification: Uncertain significance for Immunodeficiency 104. Last evaluated: 2022-10-13. Review status: criteria provided, single submitter. Criteria: Invitae Variant Classification Sherloc (09022015). Collection method: clinical testing. Allele origin: germline.
Comment: This sequence change replaces threonine, which is neutral and polar, with isoleucine, which is neutral and non-polar, at codon 332 of the PTPRC protein (p.Thr332Ile). This variant is present in population databases (rs148025707, gnomAD 0.09%), and has an allele count higher than expected for a pathogenic variant. This variant has not been reported in the literature in individuals affected with PTPRC-related conditions. ClinVar contains an entry for this variant (Variation ID: 568106). Algorithms developed to predict the effect of missense changes on protein structure and function (SIFT, PolyPhen-2, Align-GVGD) all suggest that this variant is likely to be tolerated. In summary, the available evidence is currently insufficient to determine the role of this variant in disease. Therefore, it has been classified as a Variant of Uncertain Significance.